The following is an entry in ClinVar:

ClinVar aggregate classification (germline): Uncertain significance. Review status: criteria provided, multiple submitters, no conflicts (2 of 4 stars). 2 submissions from 2 submitters: Uncertain significance (2). Last evaluated 2024-02-04.

Conditions:
Wilson disease (WND). Also called: Wilson's disease. Identifiers: Orphanet 905, MedGen C0019202, MONDO:0010200, OMIM 277900. Disease mechanism: loss of function.

Allele frequency attached by ClinVar (database versions not stated): gnomAD exomes below 0.00001.
gnomAD v4.1: 1 of 1,613,842 alleles (0.000062%); highest among the groups gnomAD compares: Non-Finnish European, 0.000085%; no homozygotes.

Submissions (2):

Fulgent Genetics
Classification: Uncertain significance for Wilson disease. Last evaluated: 2024-02-04. Review status: criteria provided, single submitter. Criteria: ACMG Guidelines, 2015. Collection method: clinical testing. Allele origin: germline.

Women's Health and Genetics/Laboratory Corporation of America, LabCorp
Classification: Uncertain significance. Last evaluated: 2016-03-31. Review status: criteria provided, single submitter. Criteria: LabCorp Variant Classification Summary - May 2015. Collection method: clinical testing. Allele origin: germline.
Comment: Variant summary: Variant affects a conserved nucleotide and results in a replacement of a small size and polar Serine (S) with a medium size and hydrophobic Proline (P). 5/5 in silico tools predict the variant to be disease causing. The variant is absent from the large and broad cohorts of the ExAC project and to our knowledge, it has not been reported in affected patients and in vitro/vivo studies to assess the functional impact of the variant were not published either. Due to the lack of clinical and functional data, the variant was classified as a variant of uncertain significance until more information becomes available.

NM_000053.4(ATP7B):c.4066T>C (p.Ser1356Pro)

Gene: ATP7B (ATPase copper transporting beta; minus strand). Cytogenetic location: 13q14.3.
Variant type: single nucleotide variant.
Coding change: c.4066T>C on transcript NM_000053.4 (MANE Select); coding-DNA position 4066, T replaced by C.
Protein change: p.Ser1356Pro; replaces serine 1356 with proline.
Molecular consequence: missense variant.
Genome position (GRCh38, 1-based): chr13:51,935,651, A>G on the plus strand (T>C on the coding strand, the complement: ATP7B is on the minus strand). VCF-style: chr13-51935651-A-G. GRCh37 (hg19) VCF-style: chr13-52509787-A-G.
Other names: c.3445T>C, p.Ser1149Pro (NM_001005918.3); c.3733T>C, p.Ser1245Pro (NM_001243182.2); c.3832T>C, p.Ser1278Pro (NM_001330578.2); c.3814T>C, p.Ser1272Pro (NM_001330579.2); short protein forms S1356P, S1149P, S1278P, S1272P, S1245P.
Identifiers: ClinVar variation 495420 (VCV000495420.2), dbSNP rs1555282748, ClinGen allele CA388020153.